The following is an entry in ClinVar:

NM_000051.4(ATM):c.8497T>G (p.Tyr2833Asp)

Genes: ATM (ATM serine/threonine kinase; plus strand), C11orf65 (chromosome 11 open reading frame 65; minus strand). Cytogenetic location: 11q22.3.
Variant type: single nucleotide variant.
Coding change: c.8497T>G on transcript NM_000051.4 (MANE Select); coding-DNA position 8497, T replaced by G.
Protein change: p.Tyr2833Asp; replaces tyrosine 2833 with aspartic acid.
Molecular consequence: missense variant. On other transcripts: intron variant (2).
Genome position (GRCh38, 1-based): chr11:108,345,821, T>G. VCF-style: chr11-108345821-T-G. GRCh37 (hg19) VCF-style: chr11-108216548-T-G.
Other names: c.8497T>G, p.Tyr2833Asp (NM_001351834.2); c.641-36750A>C (NM_001330368.2); c.695-10529A>C (NM_001351110.2); short protein forms Y2833D.
Identifiers: ClinVar variation 3223303 (VCV003223303.1), dbSNP rs774171813, ClinGen allele CA382518112.

ClinVar aggregate classification (germline): Uncertain significance (1 of 4 stars; one submission).

Conditions:
Hereditary cancer-predisposing syndrome. Also called: Tumor predisposition; Hereditary Cancer Syndrome; Hereditary neoplastic syndrome; Neoplastic Syndromes, Hereditary. Identifiers: Orphanet 140162, MedGen C0027672, MeSH D009386, MONDO:0015356.

Submission:

Ambry Genetics
Classification: Uncertain significance for Hereditary cancer-predisposing syndrome. Last evaluated: 2023-12-05. Review status: criteria provided, single submitter. Criteria: Ambry Variant Classification Scheme 2023. Collection method: clinical testing. Allele origin: germline.
Comment: The p.Y2833D variant (also known as c.8497T>G), located in coding exon 57 of the ATM gene, results from a T to G substitution at nucleotide position 8497. The tyrosine at codon 2833 is replaced by aspartic acid, an amino acid with highly dissimilar properties. This amino acid position is well conserved in available vertebrate species. In addition, the in silico prediction for this alteration is inconclusive. Since supporting evidence is limited at this time, the clinical significance of this alteration remains unclear.